The following is an entry in ClinVar:

ClinVar aggregate classification (germline): Uncertain significance (1 of 4 stars; one submission).

Submission:

Labcorp Genetics (formerly Invitae), Labcorp
Classification: Uncertain significance. Last evaluated: 2025-10-02. Review status: criteria provided, single submitter. Criteria: Invitae Variant Classification Sherloc (09022015). Collection method: clinical testing. Allele origin: germline.
Comment: This sequence change replaces isoleucine, which is neutral and non-polar, with methionine, which is neutral and non-polar, at codon 3068 of the RNF213 protein (p.Ile3068Met). This variant is not present in population databases (gnomAD no frequency). This variant has not been reported in the literature in individuals affected with RNF213-related conditions. ClinVar contains an entry for this variant (Variation ID: 2761647). Invitae Evidence Modeling of protein sequence and biophysical properties (such as structural, functional, and spatial information, amino acid conservation, physicochemical variation, residue mobility, and thermodynamic stability) indicates that this missense variant is not expected to disrupt RNF213 protein function with a negative predictive value of 95%. In summary, the available evidence is currently insufficient to determine the role of this variant in disease. Therefore, it has been classified as a Variant of Uncertain Significance.

NM_001256071.3(RNF213):c.9204T>G (p.Ile3068Met)

Gene: RNF213 (ring finger protein 213; plus strand). Cytogenetic location: 17q25.3.
Variant type: single nucleotide variant.
Coding change: c.9204T>G on transcript NM_001256071.3 (MANE Select); coding-DNA position 9204, T replaced by G.
Protein change: p.Ile3068Met; replaces isoleucine 3068 with methionine.
Molecular consequence: missense variant.
Genome position (GRCh38, 1-based): chr17:80,347,539, T>G. VCF-style: chr17-80347539-T-G. GRCh37 (hg19) VCF-style: chr17-78321339-T-G.
Other names: c.9351T>G, p.Ile3117Met (NM_001410195.1, NM_020914.5); short protein forms I3117M, I3068M.
Identifiers: ClinVar variation 2761647 (VCV002761647.3), dbSNP rs2511389074, ClinGen allele CA401401102.